The following is an entry in ClinVar:

NM_001252024.2(TRPM1):c.1256A>T (p.His419Leu)

Gene: TRPM1 (transient receptor potential cation channel subfamily M member 1; minus strand). Cytogenetic location: 15q13.3.
Variant type: single nucleotide variant.
Coding change: c.1256A>T on transcript NM_001252024.2 (MANE Select); coding-DNA position 1256, A replaced by T.
Protein change: p.His419Leu; replaces histidine 419 with leucine.
Molecular consequence: missense variant.
Genome position (GRCh38, 1-based): chr15:31,060,551, T>A on the plus strand (A>T on the coding strand, the complement: TRPM1 is on the minus strand). VCF-style: chr15-31060551-T-A. GRCh37 (hg19) VCF-style: chr15-31352754-T-A.
Other names: c.1307A>T, p.His436Leu (NM_001252020.2); c.1190A>T, p.His397Leu (NM_002420.6); short protein forms H436L, H397L, H419L.
Identifiers: ClinVar variation 1384876 (VCV001384876.6), dbSNP rs762021123, ClinGen allele CA7452637.
Genomic context (GRCh38, chr15:31,060,551, plus strand): 5'-TCACTTGTACAAAGTCAAGATCAATGATATGAATCGAAAAAAAACAGTTTCACCGGCCAG[T>A]GGGGCCCAAAGACAAAGATCTGGCTTCGTGCTATGTCCACGCGGTTCCAAGCCAGTGCCA-3'
Protein context (NP_001238953.1, residues 409-429): ARSQIFVFGP[His419Leu]WPPLGSLAPP

ClinVar aggregate classification (germline): Uncertain significance (1 of 4 stars; one submission).

Allele frequency attached by ClinVar (database versions not stated): gnomAD exomes below 0.00001; ExAC 0.00001.
gnomAD v4.1: 1 of 1,614,062 alleles (0.000062%); highest among the groups gnomAD compares: Admixed American, 0.0017%; no homozygotes.

Submission:

Labcorp Genetics (formerly Invitae), Labcorp
Classification: Uncertain significance. Last evaluated: 2021-10-06. Review status: criteria provided, single submitter. Criteria: Invitae Variant Classification Sherloc (09022015). Collection method: clinical testing. Allele origin: germline.
Comment: This sequence change replaces histidine with leucine at codon 397 of the TRPM1 protein (p.His397Leu). The histidine residue is highly conserved and there is a moderate physicochemical difference between histidine and leucine. This variant is present in population databases (rs762021123, ExAC 0.009%). This variant has not been reported in the literature in individuals affected with TRPM1-related conditions. Algorithms developed to predict the effect of missense changes on protein structure and function are either unavailable or do not agree on the potential impact of this missense change (SIFT: "Deleterious"; PolyPhen-2: "Benign"; Align-GVGD: "Class C25"). In summary, the available evidence is currently insufficient to determine the role of this variant in disease. Therefore, it has been classified as a Variant of Uncertain Significance.